The following is an entry in ClinVar:

NM_000222.3(KIT):c.2830C>T (p.Pro944Ser)

Gene: KIT (KIT proto-oncogene, receptor tyrosine kinase; plus strand). Cytogenetic location: 4q12.
Variant type: single nucleotide variant.
Coding change: c.2830C>T on transcript NM_000222.3 (MANE Select); coding-DNA position 2830, C replaced by T.
Protein change: p.Pro944Ser; replaces proline 944 with serine.
Molecular consequence: missense variant.
Genome position (GRCh38, 1-based): chr4:54,738,456, C>T. VCF-style: chr4-54738456-C-T. GRCh37 (hg19) VCF-style: chr4-55604622-C-T.
Other names: c.2818C>T, p.Pro940Ser (NM_001093772.2, NM_001385292.1); c.2833C>T, p.Pro945Ser (NM_001385284.1); c.2827C>T, p.Pro943Ser (NM_001385285.1); c.2815C>T, p.Pro939Ser (NM_001385286.1); c.2821C>T, p.Pro941Ser (NM_001385288.1); c.2830C>T, p.Pro944Ser (NM_001385290.1); short protein forms P940S, P941S, P943S, P945S, P939S, P944S.
Identifiers: ClinVar variation 1985404 (VCV001985404.6), dbSNP rs1355431060, ClinGen allele CA356915907.

ClinVar aggregate classification (germline): Uncertain significance. Review status: criteria provided, multiple submitters, no conflicts (2 of 4 stars). 2 submissions from 2 submitters: Uncertain significance (2). Last evaluated 2025-01-07.

Conditions:
Hereditary cancer-predisposing syndrome. Also called: Tumor predisposition; Hereditary Cancer Syndrome; Hereditary neoplastic syndrome; Neoplastic Syndromes, Hereditary. Identifiers: Orphanet 140162, MedGen C0027672, MeSH D009386, MONDO:0015356.
Gastrointestinal stromal tumor. Also called: Gastrointestinal stroma tumor; Gastrointestinal stromal tumor, somatic. Identifiers: Orphanet 44890, MedGen C0238198, MeSH D046152, MONDO:0011719, OMIM 606764, HP:0100723.

Allele frequency attached by ClinVar (database versions not stated): gnomAD exomes below 0.00001; TOPMed below 0.00001; gnomAD 0.00001.
gnomAD v4.1: 2 of 1,613,878 alleles (0.00012%); highest among the groups gnomAD compares: African/African-American, 0.0027%; no homozygotes.

Submissions (2):

Ambry Genetics
Classification: Uncertain significance for Hereditary cancer-predisposing syndrome. Last evaluated: 2025-01-07. Review status: criteria provided, single submitter. Criteria: Ambry Variant Classification Scheme 2023. Collection method: clinical testing. Allele origin: germline.

Labcorp Genetics (formerly Invitae), Labcorp
Classification: Uncertain significance for Gastrointestinal stromal tumor. Last evaluated: 2024-01-19. Review status: criteria provided, single submitter. Criteria: Invitae Variant Classification Sherloc (09022015). Collection method: clinical testing. Allele origin: germline.
Comment: This sequence change replaces proline, which is neutral and non-polar, with serine, which is neutral and polar, at codon 944 of the KIT protein (p.Pro944Ser). This variant is present in population databases (no rsID available, gnomAD 0.008%). This variant has not been reported in the literature in individuals affected with KIT-related conditions. ClinVar contains an entry for this variant (Variation ID: 1985404). An algorithm developed to predict the effect of missense changes on protein structure and function (PolyPhen-2) suggests that this variant is likely to be tolerated. In summary, the available evidence is currently insufficient to determine the role of this variant in disease. Therefore, it has been classified as a Variant of Uncertain Significance.